The following is an entry in ClinVar:

ClinVar aggregate classification (germline): Pathogenic (1 of 4 stars; one submission).

Conditions:
Primary pulmonary hypertension. Also called: Idiopathic pulmonary hypertension. Identifiers: MedGen C0152171.

Submission:

Labcorp Genetics (formerly Invitae), Labcorp
Classification: Pathogenic for Primary pulmonary hypertension. Last evaluated: 2017-11-28. Review status: criteria provided, single submitter. Criteria: Invitae Variant Classification Sherloc (09022015). Collection method: clinical testing. Allele origin: germline.
Comment: Loss-of-function variants in BMPR2 are known to be pathogenic (PMID: 16429395). This sequence change creates a premature translational stop signal (p.Tyr382Aspfs*8) in the BMPR2 gene. It is expected to result in an absent or disrupted protein product. This variant is not present in population databases (ExAC no frequency). This variant has not been reported in the literature in individuals with BMPR2-related disease. For these reasons, this variant has been classified as Pathogenic.

Literature cited by the submitters: PubMed 16429395.

NM_001204.7(BMPR2):c.1142_1143dup (p.Tyr382fs)

Gene: BMPR2 (bone morphogenetic protein receptor type 2; plus strand). Cytogenetic location: 2q33.2.
Variant type: Duplication.
Coding change: c.1142_1143dup on transcript NM_001204.7 (MANE Select); coding-DNA positions 1142 to 1143, 2 bases duplicated (GA; older notation c.1142_1143dupGA).
Protein change: p.Tyr382fs; shifts the reading frame from tyrosine 382.
Molecular consequence: frameshift variant.
Genome position (GRCh38, 1-based): chr2:202,532,598-202,532,599, GA duplicated; duplicating any 2 consecutive bases within chr2:202,532,597-202,532,599 gives the same sequence; the c. name uses the placement nearest the transcript's 3' end. VCF-style (leftmost placement, unchanged base first): chr2-202532596-C-CAG. GRCh37 (hg19) VCF-style: chr2-203397319-C-CAG.
Other names: c.1142_1143dup (LRG_712t1); c.1142_1143dupGA (NM_001204.6); short protein forms Y382fs.
Identifiers: ClinVar variation 528331 (VCV000528331.8), dbSNP rs1553509983, ClinGen allele CA658796144.